The following is an entry in ClinVar:

NM_007294.4(BRCA1):c.2999A>G (p.Glu1000Gly)

Gene: BRCA1 (BRCA1 DNA repair associated; minus strand). Cytogenetic location: 17q21.31.
Variant type: single nucleotide variant.
Coding change: c.2999A>G on transcript NM_007294.4 (MANE Select); coding-DNA position 2999, A replaced by G.
Protein change: p.Glu1000Gly; replaces glutamic acid 1000 with glycine.
Molecular consequence: missense variant. On other transcripts: intron variant (137).
Genome position (GRCh38, 1-based): chr17:43,092,532, T>C on the plus strand (A>G on the coding strand, the complement: BRCA1 is on the minus strand). VCF-style: chr17-43092532-T-C. GRCh37 (hg19) VCF-style: chr17-41244549-T-C.
Other names: c.2786A>G, p.Glu929Gly (NM_001407571.1, NM_001407853.1, NM_001407894.1 and 9 more transcripts); c.2999A>G, p.Glu1000Gly (NM_001407581.1, NM_001407582.1, NM_001407583.1 and 30 more transcripts); c.2996A>G, p.Glu999Gly (NM_001407587.1, NM_001407590.1, NM_001407591.1 and 22 more transcripts); c.2990A>G, p.Glu997Gly (NM_001407646.1, NM_001407647.1); c.2876A>G, p.Glu959Gly (NM_001407648.1, NM_001407664.1, NM_001407665.1 and 19 more transcripts); c.2873A>G, p.Glu958Gly (NM_001407649.1, NM_001407670.1, NM_001407685.1 and 11 more transcripts); c.2918A>G, p.Glu973Gly (NM_001407662.1, NM_001407659.1, NM_001407660.1 and 1 more transcripts); c.2921A>G, p.Glu974Gly (NM_001407663.1, NM_001407653.1, NM_001407654.1 and 4 more transcripts); and 41 more; short protein forms E1000G, E953G, E704G, E888G, E930G, E933G, E832G, E912G.
Identifiers: ClinVar variation 409306 (VCV000409306.20), dbSNP rs1060502330, ClinGen allele CA10596001.

ClinVar aggregate classification (germline): Conflicting classifications of pathogenicity. Review status: criteria provided, conflicting classifications (1 of 4 stars). 5 submissions from 5 submitters: Uncertain significance (3); Likely benign (2). Last evaluated 2025-09-01.

Conditions:
BRCA1-related cancer predisposition. Identifiers: MedGen CN377757, MONDO:0700268.
Breast-ovarian cancer, familial, susceptibility to, 1 (BROVCA1). Also called: BRCA1 Hereditary Breast and Ovarian Cancer; OVARIAN CANCER, SUSCEPTIBILITY TO. Identifiers: Orphanet 145, MedGen C2676676, MONDO:0011450, OMIM 604370. Disease mechanism: loss of function.
Hereditary cancer-predisposing syndrome. Also called: Neoplastic Syndromes, Hereditary; Hereditary neoplastic syndrome; Hereditary Cancer Syndrome; Tumor predisposition. Identifiers: Orphanet 140162, MedGen C0027672, MeSH D009386, MONDO:0015356.
Hereditary breast ovarian cancer syndrome. Also called: Hereditary breast and ovarian cancer syndrome; Breast and ovarian cancer; Hereditary breast and ovarian cancer syndrome (HBOC); Hereditary breast and/or ovarian cancer syndrome; BRCA1- and BRCA2-Associated Hereditary Breast and Ovarian Cancer; Hereditary breast and ovarian cancer. Identifiers: Orphanet 145, MedGen C0677776, MeSH D061325, MONDO:0003582. Disease mechanism: loss of function.

Allele frequency attached by ClinVar (database versions not stated): TOPMed below 0.00001; gnomAD 0.00001.
gnomAD v4.1: 1 of 1,613,850 alleles (0.000062%); highest among the groups gnomAD compares: African/African-American, 0.0013%; no homozygotes.

Submissions (5):

Ambry Genetics
Classification: Uncertain significance for Hereditary cancer-predisposing syndrome. Last evaluated: 2025-09-01. Review status: criteria provided, single submitter. Criteria: Ambry Variant Classification Scheme 2023. Collection method: clinical testing. Allele origin: germline.
Comment: The p.E1000G variant (also known as c.2999A>G), located in coding exon 9 of the BRCA1 gene, results from an A to G substitution at nucleotide position 2999. The glutamic acid at codon 1000 is replaced by glycine, an amino acid with similar properties. This amino acid position is not well conserved in available vertebrate species. In addition, the in silico prediction for this alteration is inconclusive. Since supporting evidence is limited at this time, the clinical significance of this alteration remains unclear.

Labcorp Genetics (formerly Invitae), Labcorp
Classification: Uncertain significance for Hereditary breast ovarian cancer syndrome. Last evaluated: 2025-05-30. Review status: criteria provided, single submitter. Criteria: Invitae Variant Classification Sherloc (09022015). Collection method: clinical testing. Allele origin: germline.
Comment: This sequence change replaces glutamic acid, which is acidic and polar, with glycine, which is neutral and non-polar, at codon 1000 of the BRCA1 protein (p.Glu1000Gly). This variant is not present in population databases (gnomAD no frequency). This variant has not been reported in the literature in individuals affected with BRCA1-related conditions. ClinVar contains an entry for this variant (Variation ID: 409306). Invitae Evidence Modeling of protein sequence and biophysical properties (such as structural, functional, and spatial information, amino acid conservation, physicochemical variation, residue mobility, and thermodynamic stability) indicates that this missense variant is not expected to disrupt BRCA1 protein function with a negative predictive value of 80%. In summary, the available evidence is currently insufficient to determine the role of this variant in disease. Therefore, it has been classified as a Variant of Uncertain Significance.

All of Us Research Program, National Institutes of Health
Classification: Uncertain significance for BRCA1-related cancer predisposition. Last evaluated: 2024-02-22. Review status: criteria provided, single submitter. Criteria: ACMG Guidelines, 2015. Collection method: clinical testing. Allele origin: germline. Inheritance: Autosomal dominant inheritance. Observed: 1 variant allele, 1 heterozygote.
Comment: This missense variant replaces glutamic acid with glycine at codon 1000 of the BRCA1 protein. Computational prediction suggests that this variant may not impact protein structure and function (internally defined REVEL score threshold <= 0.5, PMID: 27666373). To our knowledge, functional studies have not been reported for this variant. This variant has not been reported in individuals affected with hereditary cancer in the literature. This variant has not been identified in the general population by the Genome Aggregation Database (gnomAD). The available evidence is insufficient to determine the role of this variant in disease conclusively. Therefore, this variant is classified as a Variant of Uncertain Significance.

This study involves interpretation of variants in research participants for the purpose of population health screening. Participant phenotype was not available at the time of variant classification. Additional details can be found in publication PMID: 35346344, PMCID: PMC8962531

Myriad Genetics, Inc.
Classification: Likely benign for Breast-ovarian cancer, familial, susceptibility to, 1. Last evaluated: 2023-12-06. Review status: criteria provided, single submitter. Criteria: Myriad Autosomal Dominant, Autosomal Recessive and X-Linked Classification Criteria (2023). Collection method: clinical testing. Allele origin: unknown.
Comment: This variant is considered likely benign. This variant is strongly associated with less severe personal and family histories of cancer, typical for individuals without pathogenic variants in this gene [PMID: 25085752].

University of Washington Department of Laboratory Medicine, University of Washington
Classification: Likely benign for Hereditary cancer-predisposing syndrome. Last evaluated: 2023-03-23. Review status: criteria provided, single submitter. Criteria: Dines et al. (Genet Med. 2020). Collection method: curation. Allele origin: germline.
Comment: Missense variant in a coldspot region where missense variants are very unlikely to be pathogenic (PMID:31911673).

BRCA1 coldspot (exon 11 using historical exon numbering). Reclassification based on statistical prior probability

Literature cited by the submitters: PubMed 25085752 (cited by Myriad Genetics, Inc.).